The following is an entry in ClinVar:

ClinVar aggregate classification (germline): Pathogenic/Likely pathogenic. Review status: criteria provided, multiple submitters, no conflicts (2 of 4 stars). 4 submissions from 4 submitters: Pathogenic (1); Likely pathogenic (1). 2 of the submissions do not count toward it. Last evaluated 2025-10-04.

Conditions:
Abnormal heart morphology. Also called: Abnormality of cardiac morphology; Heart, malformation of. Identifiers: MedGen C0018798, MeSH D006330, HP:0001627.
TAF1-related syndromic intellectual disability.
Intellectual developmental disorder, X-linked, syndromic 33. Also called: X-linked intellectual disability-global development delay-facial dysmorphism-sacral caudal remnant syndrome; Intellectual disability, X-linked, syndromic 33. Identifiers: Orphanet 480907, MedGen C4225418, MONDO:0010500, OMIM 300966.

Submissions (4):

GeneDx
Classification: Pathogenic. Last evaluated: 2025-10-04. Review status: criteria provided, single submitter. Criteria: GeneDx Variant Classification Process June 2021. Collection method: clinical testing. Allele origin: germline. Affected: yes.
Comment: Not observed at significant frequency in large population cohorts (gnomAD); In silico analysis supports that this missense variant has a deleterious effect on protein structure/function; This variant is associated with the following publications: (PMID: 31646703, 32396742, 31785789, 33504798, 26637982, 35982159, 33057194)

Illumina Laboratory Services, Illumina
Classification: Likely pathogenic for TAF1-related syndromic intellectual disability. Last evaluated: 2019-07-18. Review status: criteria provided, single submitter. Criteria: ICSLVariantClassificationCriteria RUGD 01 April 2020. Collection method: clinical testing. Allele origin: unknown.
Comment: The TAF1 c.2668C>T (p.Arg890Cys) variant is a missense variant. A literature search was performed for the gene, cDNA change, and amino acid change. No publications were found based on this search. This variant is not found in the Genome Aggregation Database in a region of good sequence coverage, so the variant is presumed to be rare. The Arg890 residue is in the DUF3591 central domain, which encompasses the histone acetyl transferase (HAT) domain (O'Rawe et al. 2015). Based on the de novo nature of the variant and absence from population allele frequency databases, the p.Arg890Cys variant is classified as likely pathogenic for TAF1-related syndromic intellectual disability.

Yale Center for Mendelian Genomics, Yale University
Classification: association for Abnormal heart morphology. Last evaluated: 2020-06-13. Review status: no assertion criteria provided. Collection method: literature only. Allele origin: de novo. Affected: yes. Observed: 1 heterozygote. Study: Yale Center for Mendelian Genomics. Not counted in ClinVar's aggregate classification.

Genome Medicine, Institute for Basic Research in Developmental Disabilities
Classification: Likely pathogenic for Intellectual developmental disorder, X-linked, syndromic 33. Last evaluated: 2019-09-23. Review status: no assertion criteria provided. Collection method: clinical testing. Allele origin: de novo. Affected: yes. Not counted in ClinVar's aggregate classification.

Literature cited by the submitters: PubMed 26637982 (cited by Illumina Laboratory Services, Illumina); PubMed 32396742 (cited by Yale Center for Mendelian Genomics, Yale University).

NM_004606.5(TAF1):c.2608C>T (p.Arg870Cys)

Gene: TAF1 (TATA-box binding protein associated factor 1; plus strand). Cytogenetic location: Xq13.1.
Variant type: single nucleotide variant.
Coding change: c.2608C>T on transcript NM_004606.5 (MANE Select); coding-DNA position 2608, C replaced by T.
Protein change: p.Arg870Cys; replaces arginine 870 with cysteine.
Molecular consequence: missense variant. On other transcripts: non-coding transcript variant (9).
Genome position (GRCh38, 1-based): chrX:71,388,776, C>T. VCF-style: chrX-71388776-C-T. GRCh37 (hg19) VCF-style: chrX-70608626-C-T.
Other names: c.2608C>T, p.Arg870Cys (NM_001286074.2); c.2545C>T, p.Arg849Cys (NM_138923.4); short protein forms R890C, R849C, R870C.
Identifiers: ClinVar variation 694246 (VCV000694246.8), dbSNP rs1602506017, ClinGen allele CA413521480.